The following is an entry in ClinVar:

NM_004855.5(PIGB):c.1231A>C (p.Thr411Pro)

Gene: PIGB (phosphatidylinositol glycan anchor biosynthesis class B; plus strand). Cytogenetic location: 15q21.3.
Variant type: single nucleotide variant.
Coding change: c.1231A>C on transcript NM_004855.5 (MANE Select); coding-DNA position 1231, A replaced by C.
Protein change: p.Thr411Pro; replaces threonine 411 with proline.
Molecular consequence: missense variant.
Genome position (GRCh38, 1-based): chr15:55,350,806, A>C. VCF-style: chr15-55350806-A-C. GRCh37 (hg19) VCF-style: chr15-55643004-A-C.
Other names: c.1231A>C (NM_004855.4); short protein forms T411P.
Identifiers: ClinVar variation 2179097 (VCV002179097.3), dbSNP rs774555339, ClinGen allele CA7574039.

ClinVar aggregate classification (germline): Uncertain significance. Review status: criteria provided, multiple submitters, no conflicts (2 of 4 stars). 2 submissions from 2 submitters: Uncertain significance (2). Last evaluated 2025-01-24.

Conditions:
Inborn genetic diseases. Identifiers: MedGen C0950123, MeSH D030342.

Allele frequency attached by ClinVar (database versions not stated): ExAC 0.00002; gnomAD 0.00003; gnomAD exomes 0.00003; TOPMed 0.00003.
gnomAD v4.1: 47 of 1,604,860 alleles (0.0029%); highest among the groups gnomAD compares: Middle Eastern, 0.033%; no homozygotes.

Submissions (2):

Ambry Genetics
Classification: Uncertain significance for Inborn genetic diseases. Last evaluated: 2025-01-24. Review status: criteria provided, single submitter. Criteria: Ambry Variant Classification Scheme 2023. Collection method: clinical testing. Allele origin: germline.

Labcorp Genetics (formerly Invitae), Labcorp
Classification: Uncertain significance. Last evaluated: 2022-06-22. Review status: criteria provided, single submitter. Criteria: Invitae Variant Classification Sherloc (09022015). Collection method: clinical testing. Allele origin: germline.
Comment: This sequence change replaces threonine, which is neutral and polar, with proline, which is neutral and non-polar, at codon 411 of the PIGB protein (p.Thr411Pro). This variant is present in population databases (rs774555339, gnomAD 0.004%). This variant has not been reported in the literature in individuals affected with PIGB-related conditions. Algorithms developed to predict the effect of missense changes on protein structure and function (SIFT, PolyPhen-2, Align-GVGD) all suggest that this variant is likely to be tolerated. In summary, the available evidence is currently insufficient to determine the role of this variant in disease. Therefore, it has been classified as a Variant of Uncertain Significance.